The following is an entry in ClinVar:

NM_001374828.1(ARID1B):c.3662T>G (p.Leu1221Arg)

Gene: ARID1B (AT-rich interaction domain 1B; plus strand). Cytogenetic location: 6q25.3.
Variant type: single nucleotide variant.
Coding change: c.3662T>G on transcript NM_001374828.1 (MANE Select); coding-DNA position 3662, T replaced by G.
Protein change: p.Leu1221Arg; replaces leucine 1221 with arginine.
Molecular consequence: missense variant.
Genome position (GRCh38, 1-based): chr6:157,181,126, T>G. VCF-style: chr6-157181126-T-G. GRCh37 (hg19) VCF-style: chr6-157502260-T-G.
Other names: c.1163T>G, p.Leu388Arg (NM_001363725.2); c.3542T>G, p.Leu1181Arg (NM_001371656.1, NM_001374820.1); c.3791T>G, p.Leu1264Arg (NM_001438482.1); c.3704T>G, p.Leu1235Arg (NM_001438483.1); c.3572T>G, p.Leu1191Arg (NM_001438485.1); c.3545T>G, p.Leu1182Arg (NM_001438486.1); c.3482T>G, p.Leu1161Arg (NM_001438487.1); c.1004T>G, p.Leu335Arg (NM_001438488.1); and 1 more; short protein forms L1221R, L1235R, L388R, L1264R, L1161R, L1182R, L335R, L1168R.
Identifiers: ClinVar variation 5006988 (VCV005006988.2).

ClinVar aggregate classification (germline): Uncertain significance (1 of 4 stars; one submission).

Conditions:
Coffin-Siris syndrome 1 (CSS1). Also called: ARID1B-Related Coffin-Siris Syndrome; Mental retardation, autosomal dominant 12. Identifiers: Orphanet 1465, MedGen C3281201, MONDO:0007617, OMIM 135900. Disease mechanism: gain of function.

Submission:

Juno Genomics, Hangzhou Juno Genomics, Inc
Classification: Uncertain significance for Coffin-Siris syndrome 1. Review status: criteria provided, single submitter. Criteria: ACMG Guidelines, 2015. Collection method: clinical testing. Allele origin: germline.
Comment: Absent from controls (or at extremely low frequency if recessive) in Genome Aggregation Database.;Multiple lines of computational evidence support a deleterious effect on the gene or gene product.